The following is an entry in ClinVar:

ClinVar aggregate classification (germline): Uncertain significance (1 of 4 stars; one submission).

Conditions:
Adenylosuccinate lyase deficiency (ADSLD). Also called: ADSL DEFICIENCY. Identifiers: Orphanet 46, MedGen C0268126, MONDO:0007068, OMIM 103050.

Submission:

Labcorp Genetics (formerly Invitae), Labcorp
Classification: Uncertain significance for Adenylosuccinate lyase deficiency. Last evaluated: 2022-06-25. Review status: criteria provided, single submitter. Criteria: Invitae Variant Classification Sherloc (09022015). Collection method: clinical testing. Allele origin: germline.
Comment: This variant occurs in a non-coding region of the ADSL gene. It does not change the encoded amino acid sequence of the ADSL protein. In summary, the available evidence is currently insufficient to determine the role of this variant in disease. Therefore, it has been classified as a Variant of Uncertain Significance. Experimental studies and prediction algorithms are not available or were not evaluated, and the functional significance of this variant is currently unknown. This variant has not been reported in the literature in individuals affected with ADSL-related conditions. This variant is present in population databases (no rsID available, gnomAD 0.007%).

NC_000022.11:g.40346283_40346292del

Gene: ADSL (adenylosuccinate lyase; plus strand). Cytogenetic location: 22q13.1.
Variant type: Deletion.
Genome position: GRCh38 VCF-style: chr22-40346280-TCTTAATGTAC-T. GRCh37 (hg19) VCF-style: chr22-40742284-TCTTAATGTAC-T.
Identifiers: ClinVar variation 2415555 (VCV002415555.5), dbSNP rs1187419015, ClinGen allele CA639408303.